The following is an entry in ClinVar:

ClinVar aggregate classification (germline): other (0 of 4 stars; one submission).

Conditions:
Familial colorectal cancer. Identifiers: MedGen CN280943, MONDO:0023113. Disease mechanism: loss of function.

Submission:

Systems Biology Platform Zhejiang California International NanoSystems Institute
Classification: other for Familial colorectal cancer. Review status: no assertion criteria provided. Collection method: not provided. Allele origin: unknown.
ClinVar note: Converted during submission from cancer to other.

NM_000038.6(APC):c.729+2619T>G

Gene: APC (APC regulator of WNT signaling pathway; plus strand). Cytogenetic location: 5q22.2.
Variant type: single nucleotide variant.
Coding change: c.729+2619T>G on transcript NM_000038.6 (MANE Select); 2619 bases into the intron after coding-DNA position 729, T replaced by G.
Molecular consequence: intron variant.
Genome position (GRCh38, 1-based): chr5:112,795,148, T>G. VCF-style: chr5-112795148-T-G. GRCh37 (hg19) VCF-style: chr5-112130845-T-G.
Other names: c.729+2619T>G (NM_001354895.2, NM_001127510.3, NM_001354896.2 and 1 more transcripts); c.759+2619T>G (NM_001354897.2, NM_001354902.2); c.676-6131T>G (NM_001127511.3); c.654+2619T>G (NM_001354898.2, NM_001354904.2); c.-307+2619T>G (NM_001354906.2); c.646-6131T>G (NM_001354899.2); c.552+2619T>G (NM_001354900.2, NM_001354901.2, NM_001354905.2).
Identifiers: ClinVar variation 82493 (VCV000082493.2), dbSNP rs75074935, ClinGen allele CA013160.